The following is an entry in ClinVar:

ClinVar aggregate classification (germline): Pathogenic (1 of 4 stars; one submission).

Submission:

Labcorp Genetics (formerly Invitae), Labcorp
Classification: Pathogenic. Last evaluated: 2023-01-25. Review status: criteria provided, single submitter. Criteria: Invitae Variant Classification Sherloc (09022015). Collection method: clinical testing. Allele origin: germline.
Comment: For these reasons, this variant has been classified as Pathogenic. This variant has not been reported in the literature in individuals affected with PCNT-related conditions. This variant is not present in population databases (gnomAD no frequency). This sequence change creates a premature translational stop signal (p.Ser61Glyfs*18) in the PCNT gene. It is expected to result in an absent or disrupted protein product. Loss-of-function variants in PCNT are known to be pathogenic (PMID: 18174396, 22821869).

Literature cited by the submitters: PubMed 18174396; PubMed 22821869.

NM_006031.6(PCNT):c.174_180dup (p.Ser61fs)

Gene: PCNT (pericentrin; plus strand). Cytogenetic location: 21q22.3.
Variant type: Duplication.
Coding change: c.174_180dup on transcript NM_006031.6 (MANE Select); coding-DNA positions 174 to 180, 7 bases duplicated (GGAGGAC; older notation c.174_180dupGGAGGAC).
Protein change: p.Ser61fs; shifts the reading frame from serine 61.
Molecular consequence: frameshift variant. On other transcripts: 5 prime UTR variant (1).
Genome position (GRCh38, 1-based): chr21:46,326,496-46,326,502, GGAGGAC duplicated. VCF-style (leftmost placement, unchanged base first): chr21-46326495-A-AGGAGGAC. GRCh37 (hg19) VCF-style: chr21-47746409-A-AGGAGGAC.
Other names: c.-181_-175dup (NM_001315529.2); short protein forms S61fs.
Identifiers: ClinVar variation 3009931 (VCV003009931.3), dbSNP rs2517877811, ClinGen allele CA2577633149.